The following is an entry in ClinVar:

NM_002076.4(GNS):c.*1228C>T

Gene: GNS (glucosamine (N-acetyl)-6-sulfatase; minus strand). Cytogenetic location: 12q14.3.
Variant type: single nucleotide variant.
Coding change: c.*1228C>T on transcript NM_002076.4 (MANE Select); 1228 bases downstream of the stop codon, C replaced by T.
Molecular consequence: 3 prime UTR variant.
Genome position (GRCh38, 1-based): chr12:64,715,513, G>A on the plus strand (C>T on the coding strand, the complement: GNS is on the minus strand). VCF-style: chr12-64715513-G-A. GRCh37 (hg19) VCF-style: chr12-65109293-G-A.
Identifiers: ClinVar variation 310185 (VCV000310185.6), dbSNP rs115625510, ClinGen allele CA10643172.
Genomic context (GRCh38, chr12:64,715,513, plus strand): 5'-GGTTGCAGTGAGCTGAGATCATGCCATTGCACTCCAGCCTGGGTGACATAGTGAGACTCT[G>A]TCCCCACTTCTCAAAAATAAAAACATTTAGGTGTTCTCAACAGTGAAGAAACCTGAATAG-3'

ClinVar aggregate classification (germline): Benign. Review status: criteria provided, multiple submitters, no conflicts (2 of 4 stars). 2 submissions from 2 submitters: Benign (2). Last evaluated 2018-01-13.

Conditions:
Mucopolysaccharidosis, MPS-III-D (MPS3D). Also called: MPS IIID (Sanfilippo Syndrome Type D); MPS III D; Mucopoly-saccharidosis type 3D; N-acetylglucosamine-6-sulfate sulfatase deficiency; MPS 3D; N-ACETYLGLUCOSAMINE-6-SULFATASE DEFICIENCY. Identifiers: Orphanet 581, Orphanet 79272, MedGen C0086650, MONDO:0009658, OMIM 252940.

Allele frequency attached by ClinVar (database versions not stated): gnomAD 0.00742 and 0.00797; gnomAD exomes 0.00382; TOPMed 0.00848; 1000 Genomes Project 30x 0.00984; 1000 Genomes Project 0.00899.
gnomAD v4.1: 1,127 of 153,924 alleles (0.73%); highest among the groups gnomAD compares: African/African-American, 2.5%; 16 homozygotes.

Submissions (2):

Illumina Laboratory Services, Illumina
Classification: Benign for Mucopolysaccharidosis, MPS-III-D. Last evaluated: 2018-01-13. Review status: criteria provided, single submitter. Criteria: ICSL Variant Classification Criteria 13 December 2019. Collection method: clinical testing. Allele origin: germline.
Comment: This variant was observed in the ICSL laboratory as part of a predisposition screen in an ostensibly healthy population. It had not been previously curated by ICSL or reported in the Human Gene Mutation Database (HGMD: prior to June 1st, 2018), and was therefore a candidate for classification through an automated scoring system. Utilizing variant allele frequency, disease prevalence and penetrance estimates, and inheritance mode, an automated score was calculated to assess if this variant is too frequent to cause the disease. Based on the score and internal cut-off values, a variant classified as benign is not then subjected to further curation. The score for this variant resulted in a classification of benign for this disease.

Breakthrough Genomics
Classification: Benign. Review status: criteria provided, single submitter. Criteria: ACMG Guidelines, 2015. Collection method: not provided. Allele origin: germline. Inheritance: Autosomal recessive inheritance. Affected: yes.